The following is an entry in ClinVar:

NM_001378418.1(TCF20):c.4855C>T (p.Gln1619Ter)

Gene: TCF20 (transcription factor 20; minus strand). Cytogenetic location: 22q13.2.
Variant type: single nucleotide variant.
Coding change: c.4855C>T on transcript NM_001378418.1 (MANE Select); coding-DNA position 4855, C replaced by T.
Protein change: p.Gln1619Ter; replaces glutamine 1619 with a stop codon.
Molecular consequence: nonsense.
Genome position (GRCh38, 1-based): chr22:42,210,451, G>A on the plus strand (C>T on the coding strand, the complement: TCF20 is on the minus strand). VCF-style: chr22-42210451-G-A. GRCh37 (hg19) VCF-style: chr22-42606457-G-A.
Other names: c.4855C>T, p.Gln1619Ter (NM_005650.4, NM_181492.3); short protein forms Q1619*.
Identifiers: ClinVar variation 4795246 (VCV004795246.1).

ClinVar aggregate classification (germline): Pathogenic (1 of 4 stars; one submission).

Conditions:
Developmental delay with variable intellectual impairment and behavioral abnormalities. Identifiers: MedGen C5193092, MONDO:0032745, OMIM 618430.

Submission:

Department of Clinical Genetics, Aarhus University Hospital
Classification: Pathogenic for Developmental delay with variable intellectual impairment and behavioral abnormalities. Last evaluated: 2025-12-30. Review status: criteria provided, single submitter. Criteria: ACMG Guidelines, 2015. Collection method: clinical testing. Allele origin: de novo. Inheritance: Autosomal dominant inheritance. Affected: yes.
Comment: The variant is not seen in the gnomAD 4.1 database. To our knowledge the variant has not been reported in the literature in individuals with TCF20-related disorder. The variant is a nonsense variant in exon 2 out og 6 exons and predicted to result in NMD and loss-of-function. According to the ACMG guidelines, this variant is interpreted as pathogenic (PVS1_strong, PM2_supporting, PS2_supporting).

Literature cited by the submitters: PubMed 30819258; PubMed 30739909.